The following is an entry in ClinVar:

ClinVar aggregate classification (germline): Likely pathogenic (1 of 4 stars; one submission).

Conditions:
PKD1L1-related disorder. Also called: PKD1L1-related condition.

Submission:

PreventionGenetics, part of Exact Sciences
Classification: Likely pathogenic for PKD1L1-related condition. Last evaluated: 2022-08-23. Review status: criteria provided, single submitter. Criteria: ACMG Guidelines, 2015. Collection method: clinical testing. Allele origin: germline.
Comment: The PKD1L1 c.1163delA variant is predicted to result in a frameshift and premature protein termination (p.Asn388Thrfs*59). To our knowledge, this variant has not been reported in the literature. This variant is reported in 0.00090% of alleles in individuals of European (Non-Finnish) descent in gnomAD. Frameshift variants in PKD1L1 are expected to be pathogenic. This variant is interpreted as likely pathogenic.

NM_138295.5(PKD1L1):c.1163del (p.Asn388fs)

Gene: PKD1L1 (polycystin 1 like 1, transient receptor potential channel interacting; minus strand). Cytogenetic location: 7p12.3.
Variant type: Deletion.
Coding change: c.1163del on transcript NM_138295.5 (MANE Select); coding-DNA position 1163, one base deleted (A; older notation c.1163delA).
Protein change: p.Asn388fs; shifts the reading frame from asparagine 388.
Molecular consequence: frameshift variant.
Genome position (GRCh38, 1-based): chr7:47,915,497, T deleted on the plus strand (A on the coding strand, the reverse complement: PKD1L1 is on the minus strand); the first of 4 consecutive T bases (chr7:47,915,497-47,915,500); deleting any one gives the same sequence. VCF-style (leftmost placement, unchanged base first): chr7-47915496-GT-G. GRCh37 (hg19) VCF-style: chr7-47955093-GT-G.
Other names: short protein forms N388fs.
Identifiers: ClinVar variation 2636406 (VCV002636406.1), dbSNP rs1562988323, ClinGen allele CA574694596.